The following is an entry in ClinVar:

NM_017950.4(CCDC40):c.2762G>A (p.Arg921His)

Gene: CCDC40 (coiled-coil domain 40 molecular ruler complex subunit; plus strand). Cytogenetic location: 17q25.3.
Variant type: single nucleotide variant.
Coding change: c.2762G>A on transcript NM_017950.4 (MANE Select); coding-DNA position 2762, G replaced by A.
Protein change: p.Arg921His; replaces arginine 921 with histidine.
Molecular consequence: missense variant.
Genome position (GRCh38, 1-based): chr17:80,089,814, G>A. VCF-style: chr17-80089814-G-A. GRCh37 (hg19) VCF-style: chr17-78063613-G-A.
Other names: c.2762G>A (NM_017950.3); c.2762G>A, p.Arg921His (NM_001243342.2); short protein forms R921H.
Identifiers: ClinVar variation 1484972 (VCV001484972.6), dbSNP rs745319642, ClinGen allele CA8814335.

ClinVar aggregate classification (germline): Uncertain significance. Review status: criteria provided, multiple submitters, no conflicts (2 of 4 stars). 2 submissions from 2 submitters: Uncertain significance (2). Last evaluated 2026-08-31.

Conditions:
Primary ciliary dyskinesia. Also called: Ciliary dyskinesia. Identifiers: Orphanet 244, MedGen C0008780, MONDO:0016575, HP:0012265.

Allele frequency attached by ClinVar (database versions not stated): gnomAD exomes 0.00001; ExAC 0.00001; gnomAD 0.00001; TOPMed 0.00001.
gnomAD v4.1: 15 of 1,614,134 alleles (0.00093%); highest among the groups gnomAD compares: Admixed American, 0.0033%; no homozygotes.

Submissions (2):

Ambry Genetics
Classification: Uncertain significance for Primary ciliary dyskinesia. Last evaluated: 2026-08-31. Review status: criteria provided, single submitter. Criteria: Ambry Variant Classification Scheme 2023. Collection method: clinical testing. Allele origin: germline.

Labcorp Genetics (formerly Invitae), Labcorp
Classification: Uncertain significance for Primary ciliary dyskinesia. Last evaluated: 2022-08-16. Review status: criteria provided, single submitter. Criteria: Invitae Variant Classification Sherloc (09022015). Collection method: clinical testing. Allele origin: germline.
Comment: This sequence change replaces arginine, which is basic and polar, with histidine, which is basic and polar, at codon 921 of the CCDC40 protein (p.Arg921His). This variant is present in population databases (rs745319642, gnomAD 0.003%). This variant has not been reported in the literature in individuals affected with CCDC40-related conditions. ClinVar contains an entry for this variant (Variation ID: 1484972). Algorithms developed to predict the effect of missense changes on protein structure and function are either unavailable or do not agree on the potential impact of this missense change (SIFT: "Tolerated"; PolyPhen-2: "Possibly Damaging"; Align-GVGD: "Class C0"). In summary, the available evidence is currently insufficient to determine the role of this variant in disease. Therefore, it has been classified as a Variant of Uncertain Significance.